The following is an entry in ClinVar:

NM_001267550.2(TTN):c.100172-17dup

Genes: TTN (titin; minus strand), TTN-AS1 (TTN antisense RNA 1; plus strand), LOC126806420 (BRD4-independent group 4 enhancer GRCh37_chr2:179401104-179402303; plus strand). Cytogenetic location: 2q31.2.
Variant type: Duplication.
Coding change: c.100172-17dup on transcript NM_001267550.2 (MANE Select); 17 bases into the intron before coding-DNA position 100172, one base duplicated (T; older notation c.100172-17dupT).
Molecular consequence: intron variant.
Genome position (GRCh38, 1-based): chr2:178,536,585, A duplicated on the plus strand (T on the coding strand, the reverse complement: TTN is on the minus strand); the first of 8 consecutive A bases (chr2:178,536,585-178,536,592); duplicating any one gives the same sequence. VCF-style (leftmost placement, unchanged base first): chr2-178536584-C-CA. GRCh37 (hg19) VCF-style: chr2-179401311-C-CA.
Other names: p.?; c.92468-10dupT (NM_133378.4); c.100172-10dupT (NM_001267550.2); c.95249-10dupT (NM_001256850.1); c.100172-10dup (NM_001267550.2); c.72977-17dup (NM_003319.4); c.73553-17dup (NM_133437.4); c.73352-17dup (NM_133432.3); and 4 more.
Identifiers: ClinVar variation 47626 (VCV000047626.69), dbSNP rs397517782, ClinGen allele CA284221.

ClinVar aggregate classification (germline): Benign/Likely benign. Review status: criteria provided, multiple submitters, no conflicts (2 of 4 stars). 17 submissions from 17 submitters: Benign (10); Likely benign (1). 6 of the submissions do not count toward it. Last evaluated 2026-09-01.

Conditions:
TTN-related disorder. Also called: TTN-related disorders; TTN-related condition; TTN-related disease.
Autosomal recessive limb-girdle muscular dystrophy type 2J (LGMDR10). Also called: MUSCULAR DYSTROPHY, LIMB-GIRDLE, AUTOSOMAL RECESSIVE 10; Limb-girdle muscular dystrophy, type 2J. Identifiers: Orphanet 140922, MedGen C1837342, MONDO:0012127, OMIM 608807.
Dilated cardiomyopathy 1G (CMD1G). Identifiers: Orphanet 154, MedGen C1858763, MONDO:0011400, OMIM 604145.
Cardiomyopathy (CMYO). Also called: Cardiomyopathies. Identifiers: Orphanet 167848, MedGen C0878544, MONDO:0004994, HP:0001638. Inheritance: Various modes of inheritance.

Submissions (17):

CeGaT Center for Human Genetics Tuebingen
Classification: Benign. Last evaluated: 2026-09-01. Review status: criteria provided, single submitter. Criteria: CeGaT Center For Human Genetics Tuebingen Variant Classification Criteria Version 2. Collection method: clinical testing. Allele origin: germline. Affected: yes. Observed: 106 variant alleles.
Comment: TTN: BS1, BS2

Labcorp Genetics (formerly Invitae), Labcorp
Classification: Benign for Dilated cardiomyopathy 1G; Autosomal recessive limb-girdle muscular dystrophy type 2J. Last evaluated: 2026-02-04. Review status: criteria provided, single submitter. Criteria: Invitae Variant Classification Sherloc (09022015). Collection method: clinical testing. Allele origin: germline.

Mayo Clinic Laboratories, Mayo Clinic
Classification: Benign. Last evaluated: 2025-04-10. Review status: criteria provided, single submitter. Criteria: ACMG Guidelines, 2015. Collection method: clinical testing. Allele origin: germline. Observed: 23 variant alleles.
Comment: BS1, BS2, BP4, BP7

Molecular Diagnostic Laboratory for Inherited Cardiovascular Disease, Montreal Heart Institute
Classification: Benign. Last evaluated: 2025-04-09. Review status: criteria provided, single submitter. Criteria: ACMG Guidelines, 2015. Collection method: clinical testing. Allele origin: germline. Affected: no.

Blueprint Genetics
Classification: Likely benign. Last evaluated: 2024-11-08. Review status: criteria provided, single submitter. Criteria: ACMG Guidelines, 2015. Collection method: clinical testing. Allele origin: germline.

Athena Diagnostics
Classification: Benign. Last evaluated: 2024-01-26. Review status: criteria provided, single submitter. Criteria: Athena Diagnostics Criteria. Collection method: clinical testing. Allele origin: unknown.

Women's Health and Genetics/Laboratory Corporation of America, LabCorp
Classification: Benign. Last evaluated: 2019-08-13. Review status: criteria provided, single submitter. Criteria: LabCorp Variant Classification Summary - May 2015. Collection method: clinical testing. Allele origin: germline.
Comment: Variant summary: TTN c.92468-10dupT alters a nucleotide located close to a canonical splice site and therefore could affect mRNA splicing, leading to a significantly altered protein sequence. 5/5 computational tools predict no significant impact on normal splicing. However, these predictions have yet to be confirmed by functional studies. The variant allele was found at a frequency of 0.0055 in 178860 control chromosomes, predominantly at a frequency of 0.011 within the South Asian subpopulation in the gnomAD database, including 1 homozygotes. The observed variant frequency within South Asian control individuals in the gnomAD database is approximately 18-folds over the estimated maximal expected allele frequency for a pathogenic variant in TTN causing Cardiomyopathy phenotype (0.00063), strongly suggesting that the variant is a benign polymorphism found primarily in populations of South Asian origin. Five ClinVar submissions (evaluation after 2014) cite the variant three times as benign, once as likely benign and once as uncertain significance. Based on the evidence outlined above, the variant was classified as benign.

Genetic Services Laboratory, University of Chicago
Classification: Benign. Last evaluated: 2017-11-13. Review status: criteria provided, single submitter. Criteria: ACMG Guidelines, 2015. Collection method: clinical testing. Allele origin: germline. Affected: no.

CHEO Genetics Diagnostic Laboratory, Children's Hospital of Eastern Ontario
Classification: Benign for Cardiomyopathy. Last evaluated: 2017-04-25. Review status: criteria provided, single submitter. Criteria: ACMG Guidelines, 2015. Collection method: clinical testing. Allele origin: germline. Study: Canadian Open Genetics Repository.

Laboratory for Molecular Medicine, Mass General Brigham Personalized Medicine
Classification: Benign. Last evaluated: 2015-01-26. Review status: criteria provided, single submitter. Criteria: LMM Criteria. Collection method: clinical testing. Allele origin: germline. Observed: 28 variant alleles.
Comment: 92468-10_92468-9insT in intron 305 of TTN: This variant is not expected to have clinical significance because it has been identified in 1.2% (104/8792) of South Asian chromosomes by the Exome Aggregation Consortium (ExAC; dbSNP rs397517782).

GeneDx
Classification: Benign. Last evaluated: 2014-06-16. Review status: criteria provided, single submitter. Criteria: GeneDx Variant Classification (06012015). Collection method: clinical testing. Allele origin: germline. Affected: yes.
Comment: The variant is found in CARDIOMYOPATHY,DCM-CRDM panel(s).

PreventionGenetics, part of Exact Sciences
Classification: Benign for TTN-related condition. Last evaluated: 2019-07-11. Review status: no assertion criteria provided. Collection method: clinical testing. Allele origin: germline. Not counted in ClinVar's aggregate classification.
Comment: This variant is classified as benign based on ACMG/AMP sequence variant interpretation guidelines (Richards et al. 2015 PMID: 25741868, with internal and published modifications).

Clinical Genetics DNA and cytogenetics Diagnostics Lab, Erasmus MC, Erasmus Medical Center
Classification: Likely benign. Review status: no assertion criteria provided. Collection method: clinical testing. Allele origin: germline. Affected: yes. Study: VKGL Data-share Consensus. Not counted in ClinVar's aggregate classification.

Clinical Genetics, Academic Medical Center
Classification: Benign. Review status: no assertion criteria provided. Collection method: clinical testing. Allele origin: germline. Affected: yes. Study: VKGL Data-share Consensus. Not counted in ClinVar's aggregate classification.

Genome Diagnostics Laboratory, University Medical Center Utrecht
Classification: Likely benign. Review status: no assertion criteria provided. Collection method: clinical testing. Allele origin: germline. Affected: yes. Study: VKGL Data-share Consensus. Not counted in ClinVar's aggregate classification.

Joint Genome Diagnostic Labs from Nijmegen and Maastricht, Radboudumc and MUMC+
Classification: Benign. Review status: no assertion criteria provided. Collection method: clinical testing. Allele origin: germline. Affected: yes. Study: VKGL Data-share Consensus. Not counted in ClinVar's aggregate classification.

Laboratory of Diagnostic Genome Analysis, Leiden University Medical Center (LUMC)
Classification: Likely benign. Review status: no assertion criteria provided. Collection method: clinical testing. Allele origin: germline. Affected: yes. Study: VKGL Data-share Consensus. Not counted in ClinVar's aggregate classification.